The following is an entry in ClinVar:

ClinVar aggregate classification (germline): Likely benign (0 of 4 stars; one submission).

Conditions:
TMEM132E-related disorder. Also called: TMEM132E-related condition.

Submission:

PreventionGenetics, part of Exact Sciences
Classification: Likely benign for TMEM132E-related condition. Last evaluated: 2019-07-12. Review status: no assertion criteria provided. Collection method: clinical testing. Allele origin: germline.
Comment: This variant is classified as likely benign based on ACMG/AMP sequence variant interpretation guidelines (Richards et al. 2015 PMID: 25741868, with internal and published modifications).

NM_001304438.2(TMEM132E):c.330G>T (p.Pro110=)

Gene: TMEM132E (transmembrane protein 132E; plus strand). Cytogenetic location: 17q12.
Variant type: single nucleotide variant.
Coding change: c.330G>T on transcript NM_001304438.2 (MANE Select); coding-DNA position 330, G replaced by T.
Protein change: p.Pro110=; no amino-acid change (proline 110 retained).
Molecular consequence: synonymous variant.
Genome position (GRCh38, 1-based): chr17:34,626,389, G>T. VCF-style: chr17-34626389-G-T. GRCh37 (hg19) VCF-style: chr17-32953408-G-T.
Identifiers: ClinVar variation 3049673 (VCV003049673.2), dbSNP rs753259918, ClinGen allele CA499892631.